The following is an entry in ClinVar:

NM_001110556.2(FLNA):c.4016C>T (p.Pro1339Leu)

Gene: FLNA (filamin A; minus strand). Cytogenetic location: Xq28.
Variant type: single nucleotide variant.
Coding change: c.4016C>T on transcript NM_001110556.2 (MANE Select); coding-DNA position 4016, C replaced by T.
Protein change: p.Pro1339Leu; replaces proline 1339 with leucine.
Molecular consequence: missense variant.
Genome position (GRCh38, 1-based): chrX:154,359,610, G>A on the plus strand (C>T on the coding strand, the complement: FLNA is on the minus strand). VCF-style: chrX-154359610-G-A. GRCh37 (hg19) VCF-style: chrX-153587978-G-A.
Other names: c.4016C>T, p.Pro1339Leu (NM_001456.4); short protein forms P1339L.
Identifiers: ClinVar variation 1023457 (VCV001023457.9), dbSNP rs1557177547, ClinGen allele CA415220575.

ClinVar aggregate classification (germline): Uncertain significance (1 of 4 stars; one submission).

Conditions:
Frontometaphyseal dysplasia (FMD1). Identifiers: Orphanet 1826, MedGen C0265293, MONDO:0015942.
Melnick-Needles syndrome (MNS). Also called: MELNICK-NEEDLES OSTEODYSPLASTY; OSTEODYSPLASTY OF MELNICK AND NEEDLES; Melnick-Needles Syndrome (FLNA-MNS). Identifiers: Orphanet 2484, MedGen C0025237, MONDO:0010650, OMIM 309350.
Oto-palato-digital syndrome, type II (OPD2). Also called: FACIOPALATOOSSEOUS SYNDROME; Otopalatodigital Syndrome, Type II; OPD II SYNDROME; Otopalatodigital Syndrome Type 2 (FLNA-OPD2). Identifiers: Orphanet 669, Orphanet 90652, MedGen C1844696, MONDO:0010571, OMIM 304120.
Heterotopia, periventricular, X-linked dominant (PVNH1). Also called: PERIVENTRICULAR NODULAR HETEROTOPIA 1; X-linked periventricular heterotopia; PERIVENTRICULAR NODULAR HETEROTOPIA 4; HETEROTOPIA, PERIVENTRICULAR, 1. Identifiers: Orphanet 2149, Orphanet 82004, MedGen C1848213, MONDO:0010233, OMIM 300049.

Allele frequency attached by ClinVar (database versions not stated): gnomAD exomes below 0.00001 and 0.00001.
gnomAD v4.1: 1 of 1,211,066 alleles (0.000083%); highest among the groups gnomAD compares: Non-Finnish European, 0.00011%; no homozygotes.

Submission:

Labcorp Genetics (formerly Invitae), Labcorp
Classification: Uncertain significance for Oto-palato-digital syndrome, type II; Heterotopia, periventricular, X-linked dominant; Frontometaphyseal dysplasia; Melnick-Needles syndrome. Last evaluated: 2020-01-24. Review status: criteria provided, single submitter. Criteria: Invitae Variant Classification Sherloc (09022015). Collection method: clinical testing. Allele origin: germline.
Comment: In summary, the available evidence is currently insufficient to determine the role of this variant in disease. Therefore, it has been classified as a Variant of Uncertain Significance. This variant is not present in population databases (ExAC no frequency). This sequence change replaces proline with leucine at codon 1339 of the FLNA protein (p.Pro1339Leu). The proline residue is highly conserved and there is a moderate physicochemical difference between proline and leucine. This variant has not been reported in the literature in individuals with FLNA-related conditions. Algorithms developed to predict the effect of missense changes on protein structure and function are either unavailable or do not agree on the potential impact of this missense change (SIFT: "Deleterious"; PolyPhen-2: "Benign"; Align-GVGD: "Class C65").